The following is an entry in ClinVar:

ClinVar aggregate classification (germline): Benign/Likely benign. Review status: criteria provided, multiple submitters, no conflicts (2 of 4 stars). 5 submissions from 5 submitters: Benign (4); Likely benign (1). Last evaluated 2026-01-16.

Conditions:
Heterotaxy, visceral, 1, X-linked (HTX1). Also called: SITUS INVERSUS, COMPLEX CARDIAC DEFECTS, AND SPLENIC DEFECTS, X-LINKED; DEXTROCARDIA WITH OTHER CARDIAC MALFORMATIONS; Laterality, X-linked; Visceral heterotaxia. Identifiers: Orphanet 450, MedGen C1844020, MONDO:0010607, OMIM 306955.

Allele frequency attached by ClinVar (database versions not stated): gnomAD exomes 0.00197; ExAC 0.00287; gnomAD 0.00729 and 0.00784; 1000 Genomes Project 0.00768; TOPMed 0.00839; 1000 Genomes Project 30x 0.00853; ESP Exome Variant Server 0.01032.
gnomAD v4.1: 1,735 of 1,211,024 alleles (0.14%); highest among the groups gnomAD compares: African/African-American, 2.8%; 10 homozygotes.

Submissions (5):

Labcorp Genetics (formerly Invitae), Labcorp
Classification: Benign for Heterotaxy, visceral, 1, X-linked. Last evaluated: 2026-01-16. Review status: criteria provided, single submitter. Criteria: Invitae Variant Classification Sherloc (09022015). Collection method: clinical testing. Allele origin: germline.

Blueprint Genetics
Classification: Likely benign. Last evaluated: 2024-09-13. Review status: criteria provided, single submitter. Criteria: ACMG Guidelines, 2015. Collection method: clinical testing. Allele origin: germline.

GeneDx
Classification: Benign. Last evaluated: 2014-03-23. Review status: criteria provided, single submitter. Criteria: GeneDx Variant Classification (06012015). Collection method: clinical testing. Allele origin: germline. Affected: yes.
Comment: This variant is considered likely benign or benign based on one or more of the following criteria: it is a conservative change, it occurs at a poorly conserved position in the protein, it is predicted to be benign by multiple in silico algorithms, and/or has population frequency not consistent with disease.

Breakthrough Genomics
Classification: Benign. Review status: criteria provided, single submitter. Criteria: ACMG Guidelines, 2015. Collection method: not provided. Allele origin: germline. Inheritance: X-linked inheritance. Affected: yes.

PreventionGenetics, part of Exact Sciences
Classification: Benign. Review status: criteria provided, single submitter. Criteria: ACMG Guidelines, 2015. Collection method: clinical testing. Allele origin: germline.

NM_003413.4(ZIC3):c.861G>A (p.Val287=)

Gene: ZIC3 (Zic family zinc finger 3; plus strand). Cytogenetic location: Xq26.3.
Variant type: single nucleotide variant.
Coding change: c.861G>A on transcript NM_003413.4 (MANE Select); coding-DNA position 861, G replaced by A.
Protein change: p.Val287=; no amino-acid change (valine 287 retained).
Molecular consequence: synonymous variant.
Genome position (GRCh38, 1-based): chrX:137,567,552, G>A. VCF-style: chrX-137567552-G-A. GRCh37 (hg19) VCF-style: chrX-136649711-G-A.
Other names: p.V287V:GTG>GTA; c.861G>A, p.Val287= (NM_001330661.1).
Identifiers: ClinVar variation 137959 (VCV000137959.16), dbSNP rs61735159, ClinGen allele CA291688.